The following is an entry in ClinVar:

NM_017636.4(TRPM4):c.612+1G>A

Gene: TRPM4 (transient receptor potential cation channel subfamily M member 4; plus strand). Cytogenetic location: 19q13.33.
Variant type: single nucleotide variant.
Coding change: c.612+1G>A on transcript NM_017636.4 (MANE Select); the canonical splice donor site of the intron after coding-DNA position 612, G replaced by A.
Molecular consequence: splice donor variant. On other transcripts: intron variant (2).
Genome position (GRCh38, 1-based): chr19:49,168,424, G>A. VCF-style: chr19-49168424-G-A. GRCh37 (hg19) VCF-style: chr19-49671681-G-A.
Other names: c.612+1G>A (NM_001195227.2); c.-942+1G>A (NM_001321282.2); c.268-129G>A (NM_001321281.2); c.90+1G>A (NM_001321283.2); c.-237-129G>A (NM_001321285.2).
Identifiers: ClinVar variation 961481 (VCV000961481.9), dbSNP rs1967317619, ClinGen allele CA406791939.

ClinVar aggregate classification (germline): Uncertain significance. Review status: criteria provided, multiple submitters, no conflicts (2 of 4 stars). 2 submissions from 2 submitters: Uncertain significance (2). Last evaluated 2023-02-18.

Conditions:
Progressive familial heart block type IB (PFHB1B). Identifiers: Orphanet 871, MedGen C1970298, MONDO:0011474, OMIM 604559.

Allele frequency attached by ClinVar (database versions not stated): gnomAD exomes below 0.00001; TOPMed below 0.00001; gnomAD 0.00001.

Submissions (2):

Labcorp Genetics (formerly Invitae), Labcorp
Classification: Uncertain significance for Progressive familial heart block type IB. Last evaluated: 2023-02-18. Review status: criteria provided, single submitter. Criteria: Invitae Variant Classification Sherloc (09022015). Collection method: clinical testing. Allele origin: germline.
Comment: In summary, the available evidence is currently insufficient to determine the role of this variant in disease. Therefore, it has been classified as a Variant of Uncertain Significance. Algorithms developed to predict the effect of sequence changes on RNA splicing suggest that this variant may disrupt the consensus splice site. ClinVar contains an entry for this variant (Variation ID: 961481). This variant has not been reported in the literature in individuals affected with TRPM4-related conditions. This variant is not present in population databases (gnomAD no frequency). This sequence change affects a donor splice site in intron 5 of the TRPM4 gene. It is expected to disrupt RNA splicing. Variants that disrupt the donor or acceptor splice site typically lead to a loss of protein function (PMID: 16199547), however the current clinical and genetic evidence is not sufficient to establish whether loss-of-function variants in TRPM4 cause disease.

AiLife Diagnostics
Classification: Uncertain significance. Last evaluated: 2021-08-20. Review status: criteria provided, single submitter. Criteria: ACMG Guidelines, 2015. Collection method: clinical testing. Allele origin: germline. Affected: yes. Observed: 1 variant allele.

Literature cited by the submitters: PubMed 16199547 (cited by Labcorp Genetics (formerly Invitae), Labcorp).